The following is an entry in ClinVar:

NM_016604.4(KDM3B):c.3203C>G (p.Thr1068Arg)

Gene: KDM3B (lysine demethylase 3B; plus strand). Cytogenetic location: 5q31.2.
Variant type: single nucleotide variant.
Coding change: c.3203C>G on transcript NM_016604.4 (MANE Select); coding-DNA position 3203, C replaced by G.
Protein change: p.Thr1068Arg; replaces threonine 1068 with arginine.
Molecular consequence: missense variant.
Genome position (GRCh38, 1-based): chr5:138,415,135, C>G. VCF-style: chr5-138415135-C-G. GRCh37 (hg19) VCF-style: chr5-137750824-C-G.
Other names: short protein forms T1068R.
Identifiers: ClinVar variation 929090 (VCV000929090.4), dbSNP rs150418257, ClinGen allele CA128170963.

ClinVar aggregate classification (germline): Uncertain significance. Review status: criteria provided, multiple submitters, no conflicts (2 of 4 stars). 2 submissions from 2 submitters: Uncertain significance (2). Last evaluated 2021-12-03.

Conditions:
Inborn genetic diseases. Identifiers: MedGen C0950123, MeSH D030342.

Allele frequency attached by ClinVar (database versions not stated): gnomAD 0.00002; TOPMed 0.00002; ESP Exome Variant Server 0.00008.
gnomAD v4.1: 22 of 1,587,202 alleles (0.0014%); highest among the groups gnomAD compares: African/African-American, 0.0027%; no homozygotes.

Submissions (2):

Ambry Genetics
Classification: Uncertain significance for Inborn genetic diseases. Last evaluated: 2021-12-03. Review status: criteria provided, single submitter. Criteria: Ambry Variant Classification Scheme 2023. Collection method: clinical testing. Allele origin: germline.

Women's Health and Genetics/Laboratory Corporation of America, LabCorp
Classification: Uncertain significance. Last evaluated: 2021-07-21. Review status: criteria provided, single submitter. Criteria: LabCorp Variant Classification Summary - May 2015. Collection method: clinical testing. Allele origin: germline.
Comment: Variant summary: KDM3B c.3203C>G (p.Thr1068Arg) results in a non-conservative amino acid change in the encoded protein sequence. Three of five in-silico tools predict a benign effect of the variant on protein function. The variant allele was found at a frequency of 4e-06 in 249356 control chromosomes (gnomAD). The available data on variant occurrences in the general population are insufficient to allow any conclusion about variant significance. To our knowledge, no occurrence of c.3203C>G in individuals affected with KDM3B-Related Disorders and no experimental evidence demonstrating its impact on protein function have been reported. No clinical diagnostic laboratories have submitted clinical-significance assessments for this variant to ClinVar after 2014. Based on the evidence outlined above, the variant was classified as uncertain significance.